The following is an entry in ClinVar:

ClinVar aggregate classification (germline): Uncertain significance (1 of 4 stars; one submission).

Conditions:
DICER1-related tumor predisposition. Also called: DICER1 syndrome; DICER1-related pleuropulmonary blastoma cancer predisposition syndrome. Identifiers: Orphanet 284343, MedGen C3839822, MONDO:0100216.

Submission:

Labcorp Genetics (formerly Invitae), Labcorp
Classification: Uncertain significance for DICER1-related tumor predisposition. Last evaluated: 2019-12-19. Review status: criteria provided, single submitter. Criteria: Invitae Variant Classification Sherloc (09022015). Collection method: clinical testing. Allele origin: germline.
Comment: In summary, the available evidence is currently insufficient to determine the role of this variant in disease. Therefore, it has been classified as a Variant of Uncertain Significance. Algorithms developed to predict the effect of missense changes on protein structure and function (SIFT, PolyPhen-2, Align-GVGD) all suggest that this variant is likely to be tolerated, but these predictions have not been confirmed by published functional studies and their clinical significance is uncertain. This variant has not been reported in the literature in individuals with DICER1-related conditions. This variant is not present in population databases (ExAC no frequency). This sequence change replaces proline with leucine at codon 1210 of the DICER1 protein (p.Pro1210Leu). The proline residue is moderately conserved and there is a moderate physicochemical difference between proline and leucine.

NM_177438.3(DICER1):c.3629C>T (p.Pro1210Leu)

Gene: DICER1 (dicer 1, ribonuclease III; minus strand). Cytogenetic location: 14q32.13.
Variant type: single nucleotide variant.
Coding change: c.3629C>T on transcript NM_177438.3 (MANE Select); coding-DNA position 3629, C replaced by T.
Protein change: p.Pro1210Leu; replaces proline 1210 with leucine.
Molecular consequence: missense variant.
Genome position (GRCh38, 1-based): chr14:95,103,767, G>A on the plus strand (C>T on the coding strand, the complement: DICER1 is on the minus strand). VCF-style: chr14-95103767-G-A. GRCh37 (hg19) VCF-style: chr14-95570104-G-A.
Other names: c.3629C>T, p.Pro1210Leu (NM_001195573.1, NM_001271282.3, NM_001291628.2 and 1 more transcripts); short protein forms P1210L.
Identifiers: ClinVar variation 852064 (VCV000852064.11), dbSNP rs1595365709, ClinGen allele CA390874610.